The following is an entry in ClinVar:

ClinVar aggregate classification (germline): Uncertain significance (1 of 4 stars; one submission).

Conditions:
Cardiovascular phenotype. Identifiers: MedGen CN230736.

Submission:

Ambry Genetics
Classification: Uncertain significance for Cardiovascular phenotype. Last evaluated: 2024-10-28. Review status: criteria provided, single submitter. Criteria: Ambry Variant Classification Scheme 2023. Collection method: clinical testing. Allele origin: germline.
Comment: The p.L1319V variant (also known as c.3955T>G), located in coding exon 23 of the SOS2 gene, results from a T to G substitution at nucleotide position 3955. The leucine at codon 1319 is replaced by valine, an amino acid with highly similar properties. This amino acid position is conserved. In addition, this alteration is predicted to be tolerated by in silico analysis. Based on the available evidence, the clinical significance of this variant remains unclear.

NM_006939.4(SOS2):c.3955T>G (p.Leu1319Val)

Gene: SOS2 (SOS Ras/Rho guanine nucleotide exchange factor 2; minus strand). Cytogenetic location: 14q21.3.
Variant type: single nucleotide variant.
Coding change: c.3955T>G on transcript NM_006939.4 (MANE Select); coding-DNA position 3955, T replaced by G.
Protein change: p.Leu1319Val; replaces leucine 1319 with valine.
Molecular consequence: missense variant.
Genome position (GRCh38, 1-based): chr14:50,118,388, A>C on the plus strand (T>G on the coding strand, the complement: SOS2 is on the minus strand). VCF-style: chr14-50118388-A-C. GRCh37 (hg19) VCF-style: chr14-50585106-A-C.
Other names: c.3856T>G, p.Leu1286Val (NM_001411020.1); short protein forms L1286V, L1319V.
Identifiers: ClinVar variation 3447378 (VCV003447378.1).
Genomic context (GRCh38, chr14:50,118,388, plus strand): 5'-CTACATATGGCTAAGGTCATTGGGGAGTTTCTGCATTTTCTAGCAAAGGCAGTCTGTACA[A>C]TGGGGGGTGCGAAAGCTCCCGTTTGTAAGTCTTTGGTGGCAGTTTTGGCAGATGAGGGCT-3'
Protein context (NP_008870.2, residues 1309-1329): TYKRELSHPP[Leu1319Val]YRLPLLENAE